The following is an entry in ClinVar:

NM_182961.4(SYNE1):c.18008A>G (p.His6003Arg)

Gene: SYNE1 (spectrin repeat containing nuclear envelope protein 1; minus strand). Cytogenetic location: 6q25.2.
Variant type: single nucleotide variant.
Coding change: c.18008A>G on transcript NM_182961.4 (MANE Select); coding-DNA position 18008, A replaced by G.
Protein change: p.His6003Arg; replaces histidine 6003 with arginine.
Molecular consequence: missense variant.
Genome position (GRCh38, 1-based): chr6:152,293,592, T>C on the plus strand (A>G on the coding strand, the complement: SYNE1 is on the minus strand). VCF-style: chr6-152293592-T-C. GRCh37 (hg19) VCF-style: chr6-152614727-T-C.
Other names: c.17795A>G, p.His5932Arg (NM_033071.5); short protein forms H5932R, H6003R.
Identifiers: ClinVar variation 1307664 (VCV001307664.2), dbSNP rs1317045171, ClinGen allele CA366099703.

ClinVar aggregate classification (germline): Uncertain significance (1 of 4 stars; one submission).

Allele frequency attached by ClinVar (database versions not stated): TOPMed 0.00001.

Submission:

GeneDx
Classification: Uncertain significance. Last evaluated: 2019-08-12. Review status: criteria provided, single submitter. Criteria: GeneDx Variant Classification Process June 2021. Collection method: clinical testing. Allele origin: germline. Affected: yes.
Comment: Has not been previously published as pathogenic or benign to our knowledge; Not observed in large population cohorts (Lek et al., 2016); In silico analysis, which includes protein predictors and evolutionary conservation, supports a deleterious effect